The following is an entry in ClinVar:

NM_014714.4(IFT140):c.581del (p.Leu194fs)

Genes: IFT140 (intraflagellar transport 140; minus strand), LOC105371046 (uncharacterized LOC105371046; plus strand). Cytogenetic location: 16p13.3.
Variant type: Deletion.
Coding change: c.581del on transcript NM_014714.4 (MANE Select); coding-DNA position 581, one base deleted (T; older notation c.581delT).
Protein change: p.Leu194fs; shifts the reading frame from leucine 194.
Molecular consequence: frameshift variant.
Genome position (GRCh38, 1-based): chr16:1,592,229, A deleted on the plus strand (T on the coding strand, the reverse complement: IFT140 is on the minus strand); the first of 3 consecutive A bases (chr16:1,592,229-1,592,231); deleting any one gives the same sequence. VCF-style (leftmost placement, unchanged base first): chr16-1592228-CA-C. GRCh37 (hg19) VCF-style: chr16-1642229-CA-C.
Other names: short protein forms L194fs.
Identifiers: ClinVar variation 3376891 (VCV003376891.1).

ClinVar aggregate classification (germline): Pathogenic (1 of 4 stars; one submission).

Conditions:
Renal cyst. Also called: Cystic kidney disease; Renal cysts; cystic kidneys. Identifiers: MedGen C3887499, MONDO:0002473, HP:0000107.

Submission:

Victorian Clinical Genetics Services, Murdoch Childrens Research Institute
Classification: Pathogenic for Renal cyst. Last evaluated: 2024-10-11. Review status: criteria provided, single submitter. Criteria: ACMG Guidelines, 2015. Collection method: clinical testing. Allele origin: germline. Inheritance: Autosomal dominant inheritance. Affected: yes.
Comment: Based on the classification scheme VCGS_Germline_v1.3.5, this variant is classified as Pathogenic. Following criteria are met: 0102 - Loss of function is a known mechanism of disease in this gene and is associated with retinitis pigmentosa 80 (MIM#617781), short-rib thoracic dysplasia 9 with or without polydactyly (MIM#266920) and cystic kidney disease (MONDO:0002473), IFT140-related (PMID: 34890546). (I) 0108 - This gene is associated with both recessive and dominant disease. Retinitis pigmentosa 80 (MIM#617781) and short-rib thoracic dysplasia 9 with or without polydactyly (MIM#266920) are inherited in an autosomal recessive manner, while cystic kidney disease (MONDO:0002473), IFT140-related is inherited in an autosomal dominant manner (OMIM, PMID: 34890546). (I) 0112 - The dominant condition associated with this gene may have incomplete penetrance. Parents of children with short-rib thoracic dysplasia 9 with or without polydactyly, who carry a single pathogenic variant that has also previously been associated with the dominant cystic kidney disease phenotype, have been reported as unaffected (PMID: 34890546). However, these parents weren't specifically assessed for cystic kidney disease. (I) 0201 - Variant is predicted to cause nonsense-mediated decay (NMD) and loss of protein (premature termination codon is located at least 54 nucleotides upstream of the final exon-exon junction). (SP) 0251 - This variant is heterozygous. (I) 0304 - Variant is present in gnomAD (v4) <0.01 (10 heterozygotes, 0 homozygotes). (SP) 0701 - Other NMD-predicted variants comparable to the one identified in this case have very strong previous evidence for pathogenicity (DECIPHER). These variants have been reported in families with later onset autosomal dominant polycystic kidney disease (PMID: 34890546) and autosomal recessive IFT140-related conditions (PMIDs: 22503633, 26968735). (SP) 0803 - This variant has limited previous evidence of pathogenicity in an unrelated individual. This variant has been identified in an affected individual and was classified as likely pathogenic (PMID: 34890546). (SP) 0905 - No published segregation evidence has been identified for this variant. (I) 1007 - No published functional evidence has been identified for this variant. (I) 1208 - Inheritance information for this variant is not currently available in this individual. (I) Legend: (SP) - Supporting pathogenic, (I) - Information, (SB) - Supporting benign

Literature cited by the submitters: PubMed 22503633; PubMed 26968735; PubMed 34890546.